The following is an entry in ClinVar:

NM_000243.3(MEFV):c.586G>C (p.Gly196Arg)

Gene: MEFV (MEFV innate immunity regulator, pyrin; minus strand). Cytogenetic location: 16p13.3.
Variant type: single nucleotide variant.
Coding change: c.586G>C on transcript NM_000243.3 (MANE Select); coding-DNA position 586, G replaced by C.
Protein change: p.Gly196Arg; replaces glycine 196 with arginine.
Molecular consequence: missense variant. On other transcripts: intron variant (1).
Genome position (GRCh38, 1-based): chr16:3,254,482, C>G on the plus strand (G>C on the coding strand, the complement: MEFV is on the minus strand). VCF-style: chr16-3254482-C-G. GRCh37 (hg19) VCF-style: chr16-3304482-C-G.
Other names: c.277+1829G>C (NM_001198536.2); short protein forms G196R.
Identifiers: ClinVar variation 651794 (VCV000651794.10), dbSNP rs104895179, ClinGen allele CA7860388.
Genomic context (GRCh38, chr16:3,254,482, plus strand): 5'-GCCCCTGCAGCCTCCCCGCGGAGCTGGCGTTTCTGCGCAGCCGGACCTCGGCCTGGCCCC[C>G]CTCTAGCGCCCTGCAGGGGCCGGGGCTTCTCCCGCCCGGCAGGGCCGGGCTCCGGGTCCG-3'
Protein context (NP_000234.1, residues 186-206): RSPGPCRALE[Gly196Arg]GQAEVRLRRN

ClinVar aggregate classification (germline): Conflicting classifications of pathogenicity. Review status: criteria provided, conflicting classifications (1 of 4 stars). 6 submissions from 4 submitters: Uncertain significance (3); Likely benign (2). 1 of the submissions does not count toward it. Last evaluated 2024-06-18.

Conditions:
Acute febrile neutrophilic dermatosis (AFND). Also called: Sweet Syndrome; Gomm Button disease. Identifiers: Orphanet 3243, MedGen C0085077, MONDO:0011959, OMIM 608068.
Familial Mediterranean fever (FMF). Also called: POLYSEROSITIS, FAMILIAL PAROXYSMAL; POLYSEROSITIS, RECURRENT; Periodic peritonitis; Benign paroxysmal peritonitis. Identifiers: Orphanet 342, MedGen C0031069, MONDO:0018088, OMIM 249100. Disease mechanism: gain of function.
Familial Mediterranean fever, autosomal dominant. Also called: Dominant Familial Mediterranean Fever; FMF, AUTOSOMAL DOMINANT. Identifiers: Orphanet 342, MedGen C1851347, MONDO:0007601, OMIM 134610.

Allele frequency attached by ClinVar (database versions not stated): TOPMed 0.00002.
gnomAD v4.1: 38 of 1,587,120 alleles (0.0024%); highest among the groups gnomAD compares: Non-Finnish European, 0.0027%; no homozygotes.

Submissions (6):

Fulgent Genetics
Classification: Uncertain significance for Familial Mediterranean fever, autosomal dominant; Familial Mediterranean fever; Acute febrile neutrophilic dermatosis. Last evaluated: 2024-06-18. Review status: criteria provided, single submitter. Criteria: ACMG Guidelines, 2015. Collection method: clinical testing. Allele origin: germline.

Genome-Nilou Lab
Classification: Uncertain significance for Familial Mediterranean fever. Last evaluated: 2023-02-08. Review status: criteria provided, single submitter. Criteria: ACMG Guidelines, 2015. Collection method: clinical testing. Allele origin: germline.

Genome-Nilou Lab
Classification: Likely benign for Familial Mediterranean fever, autosomal dominant. Last evaluated: 2023-02-08. Review status: criteria provided, single submitter. Criteria: ACMG Guidelines, 2015. Collection method: clinical testing. Allele origin: germline.

Genome-Nilou Lab
Classification: Likely benign for Acute febrile neutrophilic dermatosis. Last evaluated: 2023-02-08. Review status: criteria provided, single submitter. Criteria: ACMG Guidelines, 2015. Collection method: clinical testing. Allele origin: germline.

Labcorp Genetics (formerly Invitae), Labcorp
Classification: Uncertain significance for Familial Mediterranean fever. Last evaluated: 2022-10-11. Review status: criteria provided, single submitter. Criteria: Invitae Variant Classification Sherloc (09022015). Collection method: clinical testing. Allele origin: germline.
Comment: This sequence change replaces glycine, which is neutral and non-polar, with arginine, which is basic and polar, at codon 196 of the MEFV protein (p.Gly196Arg). This variant is present in population databases (rs104895179, gnomAD 0.005%). This missense change has been observed in individual(s) with clinical features of MEFV-related conditions (PMID: 26215181). ClinVar contains an entry for this variant (Variation ID: 651794). Algorithms developed to predict the effect of missense changes on protein structure and function output the following: SIFT: "Tolerated"; PolyPhen-2: "Benign"; Align-GVGD: "Class C0". The arginine amino acid residue is found in multiple mammalian species, which suggests that this missense change does not adversely affect protein function. In summary, the available evidence is currently insufficient to determine the role of this variant in disease. Therefore, it has been classified as a Variant of Uncertain Significance.

Natera, Inc.
Classification: Uncertain significance for Familial Mediterranean fever. Last evaluated: 2020-07-16. Review status: no assertion criteria provided. Collection method: clinical testing. Allele origin: germline. Not counted in ClinVar's aggregate classification.

Literature cited by the submitters: PubMed 26215181 (cited by Labcorp Genetics (formerly Invitae), Labcorp).